The following is an entry in ClinVar:

ClinVar aggregate classification (germline): Benign/Likely benign. Review status: criteria provided, multiple submitters, no conflicts (2 of 4 stars). 2 submissions from 2 submitters: Benign (1); Likely benign (1). Last evaluated 2025-12-08.

Conditions:
Duchenne muscular dystrophy (DMD). Also called: Duchenne Muscular Dystrophy (DMD); MUSCULAR DYSTROPHY, PSEUDOHYPERTROPHIC PROGRESSIVE, DUCHENNE TYPE. Identifiers: Orphanet 98896, MedGen C0013264, MONDO:0010679, OMIM 310200.

Allele frequency attached by ClinVar (database versions not stated): gnomAD 0.00001; gnomAD exomes 0.00002; ExAC 0.00003.
gnomAD v4.1: 18 of 1,209,702 alleles (0.0015%); highest among the groups gnomAD compares: South Asian, 0.03%; no homozygotes.

Submissions (2):

Labcorp Genetics (formerly Invitae), Labcorp
Classification: Benign for Duchenne muscular dystrophy. Last evaluated: 2025-12-08. Review status: criteria provided, single submitter. Criteria: Invitae Variant Classification Sherloc (09022015). Collection method: clinical testing. Allele origin: germline.

CeGaT Center for Human Genetics Tuebingen
Classification: Likely benign. Last evaluated: 2022-12-01. Review status: criteria provided, single submitter. Criteria: CeGaT Center For Human Genetics Tuebingen Variant Classification Criteria Version 2. Collection method: clinical testing. Allele origin: germline. Affected: yes. Observed: 1 variant allele.
Comment: DMD: BS2

NM_004006.3(DMD):c.7877T>C (p.Leu2626Ser)

Gene: DMD (dystrophin; minus strand). Cytogenetic location: Xp21.1.
Variant type: single nucleotide variant.
Coding change: c.7877T>C on transcript NM_004006.3 (MANE Select); coding-DNA position 7877, T replaced by C.
Protein change: p.Leu2626Ser; replaces leucine 2626 with serine.
Molecular consequence: missense variant.
Genome position (GRCh38, 1-based): chrX:31,658,140, A>G on the plus strand (T>C on the coding strand, the complement: DMD is on the minus strand). VCF-style: chrX-31658140-A-G. GRCh37 (hg19) VCF-style: chrX-31676257-A-G.
Other names: c.7853T>C, p.Leu2618Ser (NM_000109.4); c.7865T>C, p.Leu2622Ser (NM_004009.3); c.7508T>C, p.Leu2503Ser (NM_004010.3); c.3854T>C, p.Leu1285Ser (NM_004011.4); c.3845T>C, p.Leu1282Ser (NM_004012.4); c.497T>C, p.Leu166Ser (NM_004013.3, NM_004020.4, NM_004021.3 and 2 more transcripts); short protein forms L1285S, L2503S, L2622S, L1282S, L166S, L2618S, L2626S.
Identifiers: ClinVar variation 2163352 (VCV002163352.28), dbSNP rs775555418, ClinGen allele CA10378191.
Genomic context (GRCh38, chrX:31,658,140, plus strand): 5'-TTCAGGGCCAAGTCATTTGCCACATCTACATTTGTCTGCCACTGGCGGAGGTCTTTGGCC[A>G]ACTGCTATAGATTTTTATGAGAAAGAGAATGAATGTCAGTTTTTTTTATGAAATCTCTAG-3'
Protein context (NP_003997.2, residues 2616-2636): IQKKITETKQ[Leu2626Ser]AKDLRQWQTN